The following is an entry in ClinVar:

ClinVar aggregate classification (germline): Uncertain significance. Review status: criteria provided, multiple submitters, no conflicts (2 of 4 stars). 3 submissions from 3 submitters: Uncertain significance (3). Last evaluated 2024-05-25.

Conditions:
Hereditary cancer-predisposing syndrome. Also called: Tumor predisposition; Hereditary neoplastic syndrome; Neoplastic Syndromes, Hereditary; Hereditary Cancer Syndrome. Identifiers: Orphanet 140162, MedGen C0027672, MeSH D009386, MONDO:0015356.
Familial adenomatous polyposis 1 (FAP1). Also called: POLYPOSIS, ADENOMATOUS INTESTINAL; FAMILIAL ADENOMATOUS POLYPOSIS 1, ATTENUATED. Identifiers: MedGen C2713442, MONDO:0021056, OMIM 175100. Disease mechanism: loss of function.

Allele frequency attached by ClinVar (database versions not stated): gnomAD exomes 0.00001.
gnomAD v4.1: 1 of 1,614,032 alleles (0.000062%); highest among the groups gnomAD compares: Non-Finnish European, 0.000085%; no homozygotes.

Submissions (3):

Ambry Genetics
Classification: Uncertain significance for Hereditary cancer-predisposing syndrome. Last evaluated: 2024-05-25. Review status: criteria provided, single submitter. Criteria: Ambry Variant Classification Scheme 2023. Collection method: clinical testing. Allele origin: germline.
Comment: The p.E1156D variant (also known as c.3468A>C), located in coding exon 15 of the APC gene, results from an A to C substitution at nucleotide position 3468. The glutamic acid at codon 1156 is replaced by aspartic acid, an amino acid with highly similar properties. This amino acid position is conserved. In addition, in silico predictors for this gene do not accurately predict pathogenicity. Based on the available evidence, the clinical significance of this variant remains unclear.

Labcorp Genetics (formerly Invitae), Labcorp
Classification: Uncertain significance for Familial adenomatous polyposis 1. Last evaluated: 2023-07-17. Review status: criteria provided, single submitter. Criteria: Invitae Variant Classification Sherloc (09022015). Collection method: clinical testing. Allele origin: germline.
Comment: ClinVar contains an entry for this variant (Variation ID: 953096). This variant has not been reported in the literature in individuals affected with APC-related conditions. This variant is present in population databases (no rsID available, gnomAD 0.002%). This sequence change replaces glutamic acid, which is acidic and polar, with aspartic acid, which is acidic and polar, at codon 1156 of the APC protein (p.Glu1156Asp). In summary, the available evidence is currently insufficient to determine the role of this variant in disease. Therefore, it has been classified as a Variant of Uncertain Significance. Advanced modeling of protein sequence and biophysical properties (such as structural, functional, and spatial information, amino acid conservation, physicochemical variation, residue mobility, and thermodynamic stability) performed at Invitae indicates that this missense variant is not expected to disrupt APC protein function.

Baylor Genetics
Classification: Uncertain significance for Familial adenomatous polyposis 1. Last evaluated: 2023-06-02. Review status: criteria provided, single submitter. Criteria: ACMG Guidelines, 2015. Collection method: clinical testing. Allele origin: unknown.

NM_000038.6(APC):c.3468A>C (p.Glu1156Asp)

Gene: APC (APC regulator of Wnt signaling pathway; plus strand). Cytogenetic location: 5q22.2.
Variant type: single nucleotide variant.
Coding change: c.3468A>C on transcript NM_000038.6 (MANE Select); coding-DNA position 3468, A replaced by C.
Protein change: p.Glu1156Asp; replaces glutamic acid 1156 with aspartic acid.
Molecular consequence: missense variant.
Genome position (GRCh38, 1-based): chr5:112,839,062, A>C. VCF-style: chr5-112839062-A-C. GRCh37 (hg19) VCF-style: chr5-112174759-A-C.
Other names: c.3468A>C, p.Glu1156Asp (NM_001127510.3, NM_001354895.2); c.3414A>C, p.Glu1138Asp (NM_001127511.3); c.3522A>C, p.Glu1174Asp (NM_001354896.2); c.3498A>C, p.Glu1166Asp (NM_001354897.2); c.3393A>C, p.Glu1131Asp (NM_001354898.2); c.3384A>C, p.Glu1128Asp (NM_001354899.2); c.3345A>C, p.Glu1115Asp (NM_001354900.2); c.3291A>C, p.Glu1097Asp (NM_001354901.2); and 5 more; short protein forms E1055D, E1115D, E1156D, E1166D, E1131D, E1174D, E1128D, E873D.
Identifiers: ClinVar variation 953096 (VCV000953096.13), dbSNP rs878853440, ClinGen allele CA16028944.